The following is an entry in ClinVar:

ClinVar aggregate classification (germline): Uncertain significance (1 of 4 stars; one submission).

Conditions:
Primary ciliary dyskinesia. Also called: Ciliary dyskinesia. Identifiers: Orphanet 244, MedGen C0008780, MONDO:0016575, HP:0012265.

gnomAD v4.1: 16 of 1,612,920 alleles (0.00099%); highest among the groups gnomAD compares: African/African-American, 0.0013%; no homozygotes.

Submission:

Labcorp Genetics (formerly Invitae), Labcorp
Classification: Uncertain significance for Primary ciliary dyskinesia. Last evaluated: 2024-08-06. Review status: criteria provided, single submitter. Criteria: Invitae Variant Classification Sherloc (09022015). Collection method: clinical testing. Allele origin: germline.
Comment: This sequence change falls in intron 39 of the DNAH11 gene. It does not directly change the encoded amino acid sequence of the DNAH11 protein. It affects a nucleotide within the consensus splice site. This variant is present in population databases (rs761184068, gnomAD 0.005%). This variant has not been reported in the literature in individuals affected with DNAH11-related conditions. Variants that disrupt the consensus splice site are a relatively common cause of aberrant splicing (PMID: 17576681, 9536098). Algorithms developed to predict the effect of sequence changes on RNA splicing suggest that this variant is not likely to affect RNA splicing. In summary, the available evidence is currently insufficient to determine the role of this variant in disease. Therefore, it has been classified as a Variant of Uncertain Significance.

Literature cited by the submitters: PubMed 17576681; PubMed 9536098.

NM_001277115.2(DNAH11):c.6546+5A>C

Gene: DNAH11 (dynein axonemal heavy chain 11; plus strand). Cytogenetic location: 7p15.3.
Variant type: single nucleotide variant.
Coding change: c.6546+5A>C on transcript NM_001277115.2 (MANE Select); 5 bases into the intron after coding-DNA position 6546, A replaced by C.
Molecular consequence: intron variant.
Genome position (GRCh38, 1-based): chr7:21,705,542, A>C. VCF-style: chr7-21705542-A-C. GRCh37 (hg19) VCF-style: chr7-21745160-A-C.
Identifiers: ClinVar variation 3632873 (VCV003632873.2).